The following is an entry in ClinVar:

ClinVar aggregate classification (germline): Uncertain significance (1 of 4 stars; one submission).

Conditions:
Inborn genetic diseases. Identifiers: MedGen C0950123, MeSH D030342.

Submission:

Ambry Genetics
Classification: Uncertain significance for Inborn genetic diseases. Last evaluated: 2025-09-07. Review status: criteria provided, single submitter. Criteria: Ambry Variant Classification Scheme 2023. Collection method: clinical testing. Allele origin: germline.
Comment: The p.L397V variant (also known as c.1189T>G), located in coding exon 10 of the CEP57 gene, results from a T to G substitution at nucleotide position 1189. The leucine at codon 397 is replaced by valine, an amino acid with highly similar properties. This amino acid position is conserved. In addition, this alteration is predicted to be tolerated by in silico analysis. Based on the available evidence, the clinical significance of this variant remains unclear.

NM_014679.5(CEP57):c.1189T>G (p.Leu397Val)

Gene: CEP57 (centrosomal protein 57; plus strand). Cytogenetic location: 11q21.
Variant type: single nucleotide variant.
Coding change: c.1189T>G on transcript NM_014679.5 (MANE Select); coding-DNA position 1189, T replaced by G.
Protein change: p.Leu397Val; replaces leucine 397 with valine.
Molecular consequence: missense variant.
Genome position (GRCh38, 1-based): chr11:95,829,248, T>G. VCF-style: chr11-95829248-T-G. GRCh37 (hg19) VCF-style: chr11-95562412-T-G.
Other names: c.886T>G, p.Leu296Val (NM_001440882.1); c.1162T>G, p.Leu388Val (NM_001243776.2); c.1111T>G, p.Leu371Val (NM_001243777.2); c.1108T>G, p.Leu370Val (NM_001363604.2, NM_001440869.1, NM_001440870.1); c.1081T>G, p.Leu361Val (NM_001440871.1); c.1072T>G, p.Leu358Val (NM_001440872.1); c.1009T>G, p.Leu337Val (NM_001440873.1); c.1003T>G, p.Leu335Val (NM_001440874.1); and 6 more; short protein forms L298V, L335V, L370V, L371V, L332V, L296V, L310V, L322V.
Identifiers: ClinVar variation 4226403 (VCV004226403.1).